The following is an entry in ClinVar:

ClinVar aggregate classification (germline): Uncertain significance. Review status: criteria provided, multiple submitters, no conflicts (2 of 4 stars). 2 submissions from 2 submitters: Uncertain significance (2). Last evaluated 2024-08-21.

Conditions:
Hereditary cancer-predisposing syndrome. Also called: Neoplastic Syndromes, Hereditary; Tumor predisposition; Hereditary Cancer Syndrome; Hereditary neoplastic syndrome. Identifiers: Orphanet 140162, MedGen C0027672, MeSH D009386, MONDO:0015356.
Birt-Hogg-Dube syndrome. Also called: Birt Hogg Dubé syndrome. Identifiers: Orphanet 122, MedGen C0346010, MONDO:0800444.

Submissions (2):

Ambry Genetics
Classification: Uncertain significance for Hereditary cancer-predisposing syndrome. Last evaluated: 2024-08-21. Review status: criteria provided, single submitter. Criteria: Ambry Variant Classification Scheme 2023. Collection method: clinical testing. Allele origin: germline.
Comment: The p.N372S variant (also known as c.1115A>G), located in coding exon 7 of the FLCN gene, results from an A to G substitution at nucleotide position 1115. The asparagine at codon 372 is replaced by serine, an amino acid with highly similar properties. This amino acid position is conserved. In addition, the in silico prediction for this alteration is inconclusive. Based on the available evidence, the clinical significance of this variant remains unclear.

Labcorp Genetics (formerly Invitae), Labcorp
Classification: Uncertain significance for Birt-Hogg-Dube syndrome. Last evaluated: 2021-12-02. Review status: criteria provided, single submitter. Criteria: Invitae Variant Classification Sherloc (09022015). Collection method: clinical testing. Allele origin: germline.
Comment: In summary, the available evidence is currently insufficient to determine the role of this variant in disease. Therefore, it has been classified as a Variant of Uncertain Significance. This sequence change replaces asparagine, which is neutral and polar, with serine, which is neutral and polar, at codon 372 of the FLCN protein (p.Asn372Ser). This variant is not present in population databases (gnomAD no frequency). This variant has not been reported in the literature in individuals affected with FLCN-related conditions. ClinVar contains an entry for this variant (Variation ID: 567047). Algorithms developed to predict the effect of missense changes on protein structure and function are either unavailable or do not agree on the potential impact of this missense change (SIFT: "Tolerated"; PolyPhen-2: "Probably Damaging"; Align-GVGD: "Class C0").

NM_144997.7(FLCN):c.1115A>G (p.Asn372Ser)

Gene: FLCN (folliculin; minus strand). Cytogenetic location: 17p11.2.
Variant type: single nucleotide variant.
Coding change: c.1115A>G on transcript NM_144997.7 (MANE Select); coding-DNA position 1115, A replaced by G.
Protein change: p.Asn372Ser; replaces asparagine 372 with serine.
Molecular consequence: missense variant.
Genome position (GRCh38, 1-based): chr17:17,217,130, T>C on the plus strand (A>G on the coding strand, the complement: FLCN is on the minus strand). VCF-style: chr17-17217130-T-C. GRCh37 (hg19) VCF-style: chr17-17120444-T-C.
Other names: c.1115A>G (LRG_325t1); c.1169A>G, p.Asn390Ser (NM_001353229.2); c.1115A>G, p.Asn372Ser (NM_001353230.2, NM_001353231.2); short protein forms N372S, N390S.
Identifiers: ClinVar variation 567047 (VCV000567047.7), dbSNP rs1567810665, ClinGen allele CA398532298.